The following is an entry in ClinVar:

NM_182972.3(IRF2BP2):c.1637_1638dup (p.Val547fs)

Gene: IRF2BP2 (interferon regulatory factor 2 binding protein 2; minus strand). Cytogenetic location: 1q42.3.
Variant type: Microsatellite.
Coding change: c.1637_1638dup on transcript NM_182972.3 (MANE Select); coding-DNA positions 1637 to 1638, 2 bases duplicated (AG; older notation c.1637_1638dupAG).
Protein change: p.Val547fs; shifts the reading frame from valine 547.
Molecular consequence: frameshift variant.
Genome position (GRCh38, 1-based): chr1:234,607,263-234,607,264, CT duplicated on the plus strand (AG on the coding strand, the reverse complement: IRF2BP2 is on the minus strand); duplicating any 2 consecutive bases within chr1:234,607,263-234,607,267 gives the same sequence; the c. name uses the placement nearest the transcript's 3' end. VCF-style (leftmost placement, unchanged base first): chr1-234607262-C-CCT. GRCh37 (hg19) VCF-style: chr1-234743008-C-CCT.
Other names: c.1589_1590dup, p.Val531fs (NM_001077397.1); short protein forms V531fs, V547fs.
Identifiers: ClinVar variation 2724518 (VCV002724518.3), dbSNP rs2528513160, ClinGen allele CA2697554976.

ClinVar aggregate classification (germline): Uncertain significance (1 of 4 stars; one submission).

Submission:

Labcorp Genetics (formerly Invitae), Labcorp
Classification: Uncertain significance. Last evaluated: 2023-06-22. Review status: criteria provided, single submitter. Criteria: Invitae Variant Classification Sherloc (09022015). Collection method: clinical testing. Allele origin: germline.
Comment: In summary, the available evidence is currently insufficient to determine the role of this variant in disease. Therefore, it has been classified as a Variant of Uncertain Significance. Experimental studies and prediction algorithms are not available or were not evaluated, and the functional significance of this variant is currently unknown. This variant has not been reported in the literature in individuals affected with IRF2BP2-related conditions. This variant is not present in population databases (gnomAD no frequency). This sequence change creates a premature translational stop signal (p.Val547Argfs*34) in the IRF2BP2 gene. While this is not anticipated to result in nonsense mediated decay, it is expected to disrupt the last 41 amino acid(s) of the IRF2BP2 protein.